The following is an entry in ClinVar:

NM_003072.5(SMARCA4):c.37C>T (p.Arg13Trp)

Gene: SMARCA4 (SWI/SNF related BAF chromatin remodeling complex subunit ATPase 4; plus strand). Cytogenetic location: 19p13.2.
Variant type: single nucleotide variant.
Coding change: c.37C>T on transcript NM_003072.5 (MANE Select); coding-DNA position 37, C replaced by T.
Protein change: p.Arg13Trp; replaces arginine 13 with tryptophan.
Molecular consequence: missense variant. On other transcripts: non-coding transcript variant (1).
Genome position (GRCh38, 1-based): chr19:10,984,188, C>T. VCF-style: chr19-10984188-C-T. GRCh37 (hg19) VCF-style: chr19-11094864-C-T.
Other names: c.37C>T, p.Arg13Trp (NM_001128844.3, NM_001128845.2, NM_001128846.2 and 5 more transcripts); short protein forms R13W.
Identifiers: ClinVar variation 566409 (VCV000566409.14), dbSNP rs1568416700, ClinGen allele CA404053942.

ClinVar aggregate classification (germline): Uncertain significance. Review status: criteria provided, multiple submitters, no conflicts (2 of 4 stars). 3 submissions from 3 submitters: Uncertain significance (3). Last evaluated 2025-12-14.

Conditions:
Rhabdoid tumor predisposition syndrome 2 (RTPS2). Identifiers: Orphanet 231108, Orphanet 69077, MedGen C2750074, MONDO:0013224, OMIM 613325.
Hereditary cancer-predisposing syndrome. Also called: Neoplastic Syndromes, Hereditary; Tumor predisposition; Hereditary neoplastic syndrome; Hereditary Cancer Syndrome. Identifiers: Orphanet 140162, MedGen C0027672, MeSH D009386, MONDO:0015356.

Allele frequency attached by ClinVar (database versions not stated): gnomAD exomes below 0.00001.

Submissions (3):

Labcorp Genetics (formerly Invitae), Labcorp
Classification: Uncertain significance for Rhabdoid tumor predisposition syndrome 2. Last evaluated: 2025-12-14. Review status: criteria provided, single submitter. Criteria: Invitae Variant Classification Sherloc (09022015). Collection method: clinical testing. Allele origin: germline.
Comment: This sequence change replaces arginine, which is basic and polar, with tryptophan, which is neutral and slightly polar, at codon 13 of the SMARCA4 protein (p.Arg13Trp). This variant is not present in population databases (gnomAD no frequency). This variant has not been reported in the literature in individuals affected with SMARCA4-related conditions. ClinVar contains an entry for this variant (Variation ID: 566409). Invitae Evidence Modeling of protein sequence and biophysical properties (such as structural, functional, and spatial information, amino acid conservation, physicochemical variation, residue mobility, and thermodynamic stability) indicates that this missense variant is not expected to disrupt SMARCA4 protein function with a negative predictive value of 80%. In summary, the available evidence is currently insufficient to determine the role of this variant in disease. Therefore, it has been classified as a Variant of Uncertain Significance.

Ambry Genetics
Classification: Uncertain significance for Hereditary cancer-predisposing syndrome. Last evaluated: 2025-10-22. Review status: criteria provided, single submitter. Criteria: Ambry Variant Classification Scheme 2023. Collection method: clinical testing. Allele origin: germline.
Comment: The p.R13W variant (also known as c.37C>T), located in coding exon 1 of the SMARCA4 gene, results from a C to T substitution at nucleotide position 37. The arginine at codon 13 is replaced by tryptophan, an amino acid with dissimilar properties. This alteration has been observed in at least one individual with a personal and/or family history that is suggestive of rhabdoid tumor predisposition syndrome-related disease (Ambry internal data). This variant was detected as heterozygous in individual(s) with no reported features of Coffin-Siris syndrome (Ambry internal data). This amino acid position is well conserved in available vertebrate species. In addition, the in silico prediction for this alteration is inconclusive. Based on the supporting evidence, the association of this alteration with rhabdoid tumor predisposition syndrome is unknown; however, the association of this alteration with Coffin-Siris syndrome is unlikely.

GeneDx
Classification: Uncertain significance. Last evaluated: 2024-02-28. Review status: criteria provided, single submitter. Criteria: GeneDx Variant Classification Process June 2021. Collection method: clinical testing. Allele origin: germline. Affected: yes.
Comment: Not observed at significant frequency in large population cohorts (gnomAD); In silico analysis supports that this missense variant does not alter protein structure/function; Has not been previously published as pathogenic or benign to our knowledge